The following is an entry in ClinVar:

ClinVar aggregate classification (germline): Conflicting classifications of pathogenicity. Review status: criteria provided, conflicting classifications (1 of 4 stars). 5 submissions from 5 submitters: Uncertain significance (1); Likely benign (3). 1 of the submissions does not count toward it. Last evaluated 2026-02-01.

Conditions:
Rubinstein-Taybi syndrome (RSTS). Identifiers: Orphanet 783, MedGen C0035934, MONDO:0019188.

Allele frequency attached by ClinVar (database versions not stated): ESP Exome Variant Server 0.00008; gnomAD 0.00012 and 0.00014; gnomAD exomes 0.00012; TOPMed 0.00012; ExAC 0.00013.
gnomAD v4.1: 238 of 1,612,038 alleles (0.015%); highest among the groups gnomAD compares: Middle Eastern, 0.082%; 1 homozygote.

Submissions (5):

Labcorp Genetics (formerly Invitae), Labcorp
Classification: Uncertain significance for Rubinstein-Taybi syndrome. Last evaluated: 2026-02-01. Review status: criteria provided, single submitter. Criteria: Invitae Variant Classification Sherloc (09022015). Collection method: clinical testing. Allele origin: germline.
Comment: This sequence change replaces tyrosine, which is neutral and polar, with phenylalanine, which is neutral and non-polar, at codon 1204 of the CREBBP protein (p.Tyr1204Phe). This variant is present in population databases (rs200346970, gnomAD 0.02%). This variant has not been reported in the literature in individuals affected with CREBBP-related conditions. ClinVar contains an entry for this variant (Variation ID: 133928). Invitae Evidence Modeling of protein sequence and biophysical properties (such as structural, functional, and spatial information, amino acid conservation, physicochemical variation, residue mobility, and thermodynamic stability) indicates that this missense variant is not expected to disrupt CREBBP protein function with a negative predictive value of 95%. In summary, the available evidence is currently insufficient to determine the role of this variant in disease. Therefore, it has been classified as a Variant of Uncertain Significance.

CeGaT Center for Human Genetics Tuebingen
Classification: Likely benign. Last evaluated: 2026-01-01. Review status: criteria provided, single submitter. Criteria: CeGaT Center For Human Genetics Tuebingen Variant Classification Criteria Version 2. Collection method: clinical testing. Allele origin: germline. Affected: yes. Observed: 2 variant alleles.
Comment: CREBBP: BS1

Blueprint Genetics
Classification: Likely benign. Last evaluated: 2024-03-16. Review status: criteria provided, single submitter. Criteria: ACMG Guidelines, 2015. Collection method: clinical testing. Allele origin: germline.

GeneDx
Classification: Likely benign. Last evaluated: 2018-08-31. Review status: criteria provided, single submitter. Criteria: GeneDx Variant Classification Process June 2021. Collection method: clinical testing. Allele origin: germline. Affected: yes.
Comment: This variant is associated with the following publications: (PMID: 24728327)

ITMI
No classification provided. Condition: AllHighlyPenetrant. Last evaluated: 2013-09-19. Review status: no classification provided. Collection method: reference population. Allele origin: germline. Not counted in ClinVar's aggregate classification.
Comment: Please see associated publication for description of ethnicities

Literature cited by the submitters: PubMed 24728327 (cited by ITMI).

NM_004380.3(CREBBP):c.3611A>T (p.Tyr1204Phe)

Gene: CREBBP (CREB binding lysine acetyltransferase; minus strand). Cytogenetic location: 16p13.3.
Variant type: single nucleotide variant.
Coding change: c.3611A>T on transcript NM_004380.3 (MANE Select); coding-DNA position 3611, A replaced by T.
Protein change: p.Tyr1204Phe; replaces tyrosine 1204 with phenylalanine.
Molecular consequence: missense variant.
Genome position (GRCh38, 1-based): chr16:3,757,375, T>A on the plus strand (A>T on the coding strand, the complement: CREBBP is on the minus strand). VCF-style: chr16-3757375-T-A. GRCh37 (hg19) VCF-style: chr16-3807376-T-A.
Other names: c.3497A>T, p.Tyr1166Phe (NM_001079846.1); short protein forms Y1204F, Y1166F.
Identifiers: ClinVar variation 133928 (VCV000133928.13), dbSNP rs200346970, ClinGen allele CA158176.
Genomic context (GRCh38, chr16:3,757,375, plus strand): 5'-TCGCGAGGAATGGTACACAGCTGCTTCCCATAGCAGCACAAAGTCTGTGGGGAAAACTCA[T>A]ACTGCAAAAATAAAGGAGAAATACTTTTATATAAAAATACATTCCATTTACTGTCTTATA-3'
Protein context (NP_004371.2, residues 1194-1214): QSLGYCCGRK[Tyr1204Phe]EFSPQTLCCY